The following is an entry in ClinVar:

NM_001009999.3(KDM1A):c.368T>C (p.Met123Thr)

Gene: KDM1A (lysine demethylase 1A; plus strand). Cytogenetic location: 1p36.12.
Variant type: single nucleotide variant.
Coding change: c.368T>C on transcript NM_001009999.3 (MANE Select); coding-DNA position 368, T replaced by C.
Protein change: p.Met123Thr; replaces methionine 123 with threonine.
Molecular consequence: missense variant.
Genome position (GRCh38, 1-based): chr1:23,030,485, T>C. VCF-style: chr1-23030485-T-C. GRCh37 (hg19) VCF-style: chr1-23356978-T-C.
Other names: c.368T>C, p.Met123Thr (NM_001363654.2, NM_001410762.1, NM_001410763.1 and 1 more transcripts); short protein forms M123T.
Identifiers: ClinVar variation 2818100 (VCV002818100.3), dbSNP rs2522543523, ClinGen allele CA338956908.

ClinVar aggregate classification (germline): Uncertain significance (1 of 4 stars; one submission).

Submission:

Labcorp Genetics (formerly Invitae), Labcorp
Classification: Uncertain significance. Last evaluated: 2023-06-14. Review status: criteria provided, single submitter. Criteria: Invitae Variant Classification Sherloc (09022015). Collection method: clinical testing. Allele origin: germline.
Comment: Advanced modeling of protein sequence and biophysical properties (such as structural, functional, and spatial information, amino acid conservation, physicochemical variation, residue mobility, and thermodynamic stability) performed at Invitae indicates that this missense variant is not expected to disrupt KDM1A protein function. In summary, the available evidence is currently insufficient to determine the role of this variant in disease. Therefore, it has been classified as a Variant of Uncertain Significance. This variant has not been reported in the literature in individuals affected with KDM1A-related conditions. This sequence change replaces methionine, which is neutral and non-polar, with threonine, which is neutral and polar, at codon 123 of the KDM1A protein (p.Met123Thr). This variant is not present in population databases (gnomAD no frequency).